The following is an entry in ClinVar:

ClinVar aggregate classification (germline): Uncertain significance. Review status: criteria provided, multiple submitters, no conflicts (2 of 4 stars). 2 submissions from 2 submitters: Uncertain significance (2). Last evaluated 2025-05-22.

Conditions:
Frontotemporal dementia and/or amyotrophic lateral sclerosis 7 (FTDALS7). Also called: CHMP2B-Related Frontotemporal Dementia-Amyotrophic Lateral Sclerosis; Amyotrophic lateral sclerosis 17; CHMP2B-related frontotemporal dementia; AMYOTROPHIC LATERAL SCLEROSIS, CHMP2B-RELATED. Identifiers: Orphanet 275864, Orphanet 282, Orphanet 803, MedGen C1833296, MONDO:0010936, OMIM 600795.

Allele frequency attached by ClinVar (database versions not stated): gnomAD exomes below 0.00001; TOPMed below 0.00001; ExAC 0.00001; gnomAD 0.00001; ESP Exome Variant Server 0.00008.
gnomAD v4.1: 10 of 1,606,408 alleles (0.00062%); highest among the groups gnomAD compares: Middle Eastern, 0.016%; no homozygotes.

Submissions (2):

Labcorp Genetics (formerly Invitae), Labcorp
Classification: Uncertain significance for Frontotemporal dementia and/or amyotrophic lateral sclerosis 7. Last evaluated: 2025-05-22. Review status: criteria provided, single submitter. Criteria: Invitae Variant Classification Sherloc (09022015). Collection method: clinical testing. Allele origin: germline.
Comment: This sequence change falls in intron 2 of the CHMP2B gene. It does not directly change the encoded amino acid sequence of the CHMP2B protein. It affects a nucleotide within the consensus splice site. This variant is present in population databases (rs369912013, gnomAD 0.0009%). This variant has not been reported in the literature in individuals affected with CHMP2B-related conditions. ClinVar contains an entry for this variant (Variation ID: 1403282). Variants that disrupt the consensus splice site are a relatively common cause of aberrant splicing (PMID: 17576681, 9536098). Algorithms developed to predict the effect of sequence changes on RNA splicing suggest that this variant is not likely to affect RNA splicing. In summary, the available evidence is currently insufficient to determine the role of this variant in disease. Therefore, it has been classified as a Variant of Uncertain Significance.

Department of Pathology and Laboratory Medicine, Sinai Health System
Classification: Uncertain significance for Frontotemporal dementia and/or amyotrophic lateral sclerosis 7. Last evaluated: 2021-11-08. Review status: criteria provided, single submitter. Criteria: ACMG Guidelines, 2015. Collection method: research. Allele origin: germline.

Literature cited by the submitters: PubMed 17576681 (cited by Labcorp Genetics (formerly Invitae), Labcorp); PubMed 9536098 (cited by Labcorp Genetics (formerly Invitae), Labcorp).

NM_014043.4(CHMP2B):c.126+4A>G

Gene: CHMP2B (charged multivesicular body protein 2B; plus strand). Cytogenetic location: 3p11.2.
Variant type: single nucleotide variant.
Coding change: c.126+4A>G on transcript NM_014043.4 (MANE Select); 4 bases into the intron after coding-DNA position 126, A replaced by G.
Molecular consequence: intron variant.
Genome position (GRCh38, 1-based): chr3:87,240,794, A>G. VCF-style: chr3-87240794-A-G. GRCh37 (hg19) VCF-style: chr3-87289944-A-G.
Other names: c.4-4920A>G (NM_001244644.2).
Identifiers: ClinVar variation 1403282 (VCV001403282.7), dbSNP rs369912013, ClinGen allele CA2500899.
Genomic context (GRCh38, chr3:87,240,794, plus strand): 5'-ACACAGAGGGCTATAATCAGAGATCGAGCAGCTTTAGAGAAACAAGAAAAACAGCTGGTA[A>G]GTAGAACGTTAAATTTCAGTTTAACTTTTCAAACAAATTTGGAAATTACTGTAGGAATAA-3'